The following is an entry in ClinVar:

ClinVar aggregate classification (germline): Uncertain significance (1 of 4 stars; one submission).

Conditions:
Hereditary spastic paraplegia 7 (SPG7). Also called: SPASTIC PARAPLEGIA 7, AUTOSOMAL RECESSIVE, WITH OR WITHOUT CEREBELLAR ATAXIA; SPG7-related neurologic disorder; Spastic paraplegia 7; Hereditary spastic paraplegia Paraplegin type; Autosomal recessive spastic paraplegia type 7. Identifiers: Orphanet 99013, MedGen C1846564, MONDO:0011803, OMIM 607259.

Submission:

Labcorp Genetics (formerly Invitae), Labcorp
Classification: Uncertain significance for Hereditary spastic paraplegia 7. Last evaluated: 2025-08-19. Review status: criteria provided, single submitter. Criteria: Invitae Variant Classification Sherloc (09022015). Collection method: clinical testing. Allele origin: germline.
Comment: This sequence change replaces leucine, which is neutral and non-polar, with phenylalanine, which is neutral and non-polar, at codon 210 of the SPG7 protein (p.Leu210Phe). This variant is not present in population databases (gnomAD no frequency). This variant has not been reported in the literature in individuals affected with SPG7-related conditions. Invitae Evidence Modeling of protein sequence and biophysical properties (such as structural, functional, and spatial information, amino acid conservation, physicochemical variation, residue mobility, and thermodynamic stability) indicates that this missense variant is not expected to disrupt SPG7 protein function with a negative predictive value of 80%. In summary, the available evidence is currently insufficient to determine the role of this variant in disease. Therefore, it has been classified as a Variant of Uncertain Significance.

NM_003119.4(SPG7):c.630G>C (p.Leu210Phe)

Gene: SPG7 (SPG7 matrix AAA peptidase subunit, paraplegin; plus strand). Cytogenetic location: 16q24.3.
Variant type: single nucleotide variant.
Coding change: c.630G>C on transcript NM_003119.4 (MANE Select); coding-DNA position 630, G replaced by C.
Protein change: p.Leu210Phe; replaces leucine 210 with phenylalanine.
Molecular consequence: missense variant.
Genome position (GRCh38, 1-based): chr16:89,526,340, G>C. VCF-style: chr16-89526340-G-C. GRCh37 (hg19) VCF-style: chr16-89592748-G-C.
Other names: c.630G>C, p.Leu210Phe (NM_001363850.1, NM_199367.3); short protein forms L210F.
Identifiers: ClinVar variation 4708489 (VCV004708489.1).